The following is an entry in ClinVar:

NM_001080517.3(SETD5):c.433C>T (p.Pro145Ser)

Gene: SETD5 (SET domain containing 5; plus strand). Cytogenetic location: 3p25.3.
Variant type: single nucleotide variant.
Coding change: c.433C>T on transcript NM_001080517.3 (MANE Select); coding-DNA position 433, C replaced by T.
Protein change: p.Pro145Ser; replaces proline 145 with serine.
Molecular consequence: missense variant.
Genome position (GRCh38, 1-based): chr3:9,435,772, C>T. VCF-style: chr3-9435772-C-T. GRCh37 (hg19) VCF-style: chr3-9477456-C-T.
Other names: c.100C>T, p.Pro34Ser (NM_001292043.2, NM_001349451.2); short protein forms P145S, P34S.
Identifiers: ClinVar variation 1878849 (VCV001878849.1), dbSNP rs2472490071, ClinGen allele CA351684077.

ClinVar aggregate classification (germline): Uncertain significance (1 of 4 stars; one submission).

Allele frequency attached by ClinVar (database versions not stated): gnomAD exomes below 0.00001.

Submission:

GeneDx
Classification: Uncertain significance. Last evaluated: 2022-07-13. Review status: criteria provided, single submitter. Criteria: GeneDx Variant Classification Process June 2021. Collection method: clinical testing. Allele origin: germline. Affected: yes.
Comment: Not observed at significant frequency in large population cohorts (gnomAD); In silico analysis supports that this missense variant has a deleterious effect on protein structure/function; Has not been previously published as pathogenic or benign to our knowledge